The following is an entry in ClinVar:

NM_012096.3(APPL1):c.839A>T (p.Lys280Met)

Gene: APPL1 (adaptor protein, phosphotyrosine interacting with PH domain and leucine zipper 1; plus strand). Cytogenetic location: 3p14.3.
Variant type: single nucleotide variant.
Coding change: c.839A>T on transcript NM_012096.3 (MANE Select); coding-DNA position 839, A replaced by T.
Protein change: p.Lys280Met; replaces lysine 280 with methionine.
Molecular consequence: missense variant.
Genome position (GRCh38, 1-based): chr3:57,248,327, A>T. VCF-style: chr3-57248327-A-T. GRCh37 (hg19) VCF-style: chr3-57282355-A-T.
Other names: short protein forms K280M.
Identifiers: ClinVar variation 1960994 (VCV001960994.5), dbSNP rs2060785971, ClinGen allele CA353291107.
Genomic context (GRCh38, chr3:57,248,327, plus strand): 5'-CCTTATATGTGCCTGACCCAGACCCCACCAAATTTCCTGTTAATCGAAATTTAACCCGAA[A>T]GGCTGGATACCTTAATGCTAGGAAGTAAGAAAACTATTGTTATTTTTGTATATTGTGTAT-3'
Protein context (NP_036228.1, residues 270-290): KFPVNRNLTR[Lys280Met]AGYLNARNKT

ClinVar aggregate classification (germline): Uncertain significance (1 of 4 stars; one submission).

Allele frequency attached by ClinVar (database versions not stated): gnomAD 0.00001; TOPMed 0.00001.
gnomAD v4.1: 3 of 1,614,038 alleles (0.00019%); highest among the groups gnomAD compares: Non-Finnish European, 0.00025%; no homozygotes.

Submission:

Labcorp Genetics (formerly Invitae), Labcorp
Classification: Uncertain significance. Last evaluated: 2022-06-27. Review status: criteria provided, single submitter. Criteria: Invitae Variant Classification Sherloc (09022015). Collection method: clinical testing. Allele origin: germline.
Comment: In summary, the available evidence is currently insufficient to determine the role of this variant in disease. Therefore, it has been classified as a Variant of Uncertain Significance. Algorithms developed to predict the effect of missense changes on protein structure and function are either unavailable or do not agree on the potential impact of this missense change (SIFT: "Deleterious"; PolyPhen-2: "Probably Damaging"; Align-GVGD: "Class C0"). This variant has not been reported in the literature in individuals affected with APPL1-related conditions. This variant is not present in population databases (gnomAD no frequency). This sequence change replaces lysine, which is basic and polar, with methionine, which is neutral and non-polar, at codon 280 of the APPL1 protein (p.Lys280Met).